The following is an entry in ClinVar:

NM_001509.3(GPX5):c.28C>T (p.Leu10=)

Gene: GPX5 (glutathione peroxidase 5; plus strand). Cytogenetic location: 6p22.1.
Variant type: single nucleotide variant.
Coding change: c.28C>T on transcript NM_001509.3 (MANE Select); coding-DNA position 28, C replaced by T.
Protein change: p.Leu10=; no amino-acid change (leucine 10 retained).
Molecular consequence: synonymous variant.
Genome position (GRCh38, 1-based): chr6:28,526,041, C>T. VCF-style: chr6-28526041-C-T. GRCh37 (hg19) VCF-style: chr6-28493818-C-T.
Other names: c.28C>T, p.Leu10= (NM_003996.3).
Identifiers: ClinVar variation 91936 (VCV000091936.2), dbSNP rs386352313, ClinGen allele CA232197.

ClinVar aggregate classification (germline): Uncertain significance (0 of 4 stars; one submission).

Submission:

Richard Lifton Laboratory, Yale University School of Medicine
Classification: Uncertain significance. Review status: no assertion criteria provided. Collection method: not provided. Allele origin: somatic.
Comment: GPX5
ClinVar note: Converted during submission from unknown to Uncertain significance.